The following is an entry in ClinVar:

ClinVar aggregate classification (germline): Uncertain significance. Review status: criteria provided, multiple submitters, no conflicts (2 of 4 stars). 3 submissions from 3 submitters: Uncertain significance (2). 1 of the submissions does not count toward it. Last evaluated 2024-09-14.

Conditions:
Retinitis pigmentosa 25 (RP25). Identifiers: Orphanet 791, MedGen C1864446, MONDO:0011272, OMIM 602772.

Allele frequency attached by ClinVar (database versions not stated): gnomAD exomes 0.00002; TOPMed 0.00003; gnomAD 0.00004.
gnomAD v4.1: 36 of 1,573,158 alleles (0.0023%); highest among the groups gnomAD compares: African/African-American, 0.0041%; no homozygotes.

Submissions (3):

Labcorp Genetics (formerly Invitae), Labcorp
Classification: Uncertain significance. Last evaluated: 2024-09-14. Review status: criteria provided, single submitter. Criteria: Invitae Variant Classification Sherloc (09022015). Collection method: clinical testing. Allele origin: germline.
Comment: This sequence change replaces glutamine, which is neutral and polar, with lysine, which is basic and polar, at codon 371 of the EYS protein (p.Gln371Lys). The frequency data for this variant in the population databases is considered unreliable, as metrics indicate poor data quality at this position in the gnomAD database. This variant has not been reported in the literature in individuals affected with EYS-related conditions. ClinVar contains an entry for this variant (Variation ID: 949784). Invitae Evidence Modeling of protein sequence and biophysical properties (such as structural, functional, and spatial information, amino acid conservation, physicochemical variation, residue mobility, and thermodynamic stability) has been performed for this missense variant. However, the output from this modeling did not meet the statistical confidence thresholds required to predict the impact of this variant on EYS protein function. In summary, the available evidence is currently insufficient to determine the role of this variant in disease. Therefore, it has been classified as a Variant of Uncertain Significance.

Blueprint Genetics
Classification: Uncertain significance. Last evaluated: 2024-02-19. Review status: criteria provided, single submitter. Criteria: ACMG Guidelines, 2015. Collection method: clinical testing. Allele origin: germline.

Natera, Inc.
Classification: Uncertain significance for Retinitis pigmentosa type 25. Last evaluated: 2020-07-05. Review status: no assertion criteria provided. Collection method: clinical testing. Allele origin: germline. Not counted in ClinVar's aggregate classification.

NM_001142800.2(EYS):c.1111C>A (p.Gln371Lys)

Gene: EYS (EGF-like photoreceptor maintenance factor; minus strand). Cytogenetic location: 6q12.
Variant type: single nucleotide variant.
Coding change: c.1111C>A on transcript NM_001142800.2 (MANE Select); coding-DNA position 1111, C replaced by A.
Protein change: p.Gln371Lys; replaces glutamine 371 with lysine.
Molecular consequence: missense variant.
Genome position (GRCh38, 1-based): chr6:65,402,551, G>T on the plus strand (C>A on the coding strand, the complement: EYS is on the minus strand). VCF-style: chr6-65402551-G-T. GRCh37 (hg19) VCF-style: chr6-66112444-G-T.
Other names: c.1111C>A, p.Gln371Lys (NM_001142801.2, NM_001292009.2, NM_198283.2); short protein forms Q371K.
Identifiers: ClinVar variation 949784 (VCV000949784.8), dbSNP rs979156982, ClinGen allele CA139845049.